The following is an entry in ClinVar:

NM_000135.4(FANCA):c.1715+1G>T

Gene: FANCA (FA complementation group A; minus strand). Cytogenetic location: 16q24.3.
Variant type: single nucleotide variant.
Coding change: c.1715+1G>T on transcript NM_000135.4 (MANE Select); the canonical splice donor site of the intron after coding-DNA position 1715, G replaced by T.
Molecular consequence: splice donor variant.
Genome position (GRCh38, 1-based): chr16:89,779,868, C>A on the plus strand (G>T on the coding strand, the complement: FANCA is on the minus strand). VCF-style: chr16-89779868-C-A. GRCh37 (hg19) VCF-style: chr16-89846276-C-A.
Other names: c.1715+1G>T (NM_001286167.3).
Identifiers: ClinVar variation 557354 (VCV000557354.7), dbSNP rs1555552506, ClinGen allele CA397455763.

ClinVar aggregate classification (germline): Likely pathogenic. Review status: criteria provided, multiple submitters, no conflicts (2 of 4 stars). 4 submissions from 4 submitters: Likely pathogenic (3). 1 of the submissions does not count toward it. Last evaluated 2023-10-04.

Conditions:
Fanconi anemia (FA). Also called: Fanconi's anemia. Identifiers: Orphanet 84, MedGen C0015625, MeSH D005199, MONDO:0019391.
Fanconi anemia complementation group A (FANCA). Also called: Fanconi anemia, group A; FANCA-Related Fanconi Anemia. Identifiers: Orphanet 84, MedGen C3469521, MONDO:0009215, OMIM 227650.

Submissions (4):

Labcorp Genetics (formerly Invitae), Labcorp
Classification: Likely pathogenic for Fanconi anemia. Last evaluated: 2023-10-04. Review status: criteria provided, single submitter. Criteria: Invitae Variant Classification Sherloc (09022015). Collection method: clinical testing. Allele origin: germline.
Comment: This sequence change affects a donor splice site in intron 18 of the FANCA gene. It is expected to disrupt RNA splicing. Variants that disrupt the donor or acceptor splice site typically lead to a loss of protein function (PMID: 16199547), and loss-of-function variants in FANCA are known to be pathogenic (PMID: 19367192). This variant is not present in population databases (gnomAD no frequency). This variant has not been reported in the literature in individuals affected with FANCA-related conditions. ClinVar contains an entry for this variant (Variation ID: 557354). Algorithms developed to predict the effect of sequence changes on RNA splicing suggest that this variant may disrupt the consensus splice site. In summary, the currently available evidence indicates that the variant is pathogenic, but additional data are needed to prove that conclusively. Therefore, this variant has been classified as Likely Pathogenic.

Baylor Genetics
Classification: Likely pathogenic for Fanconi anemia complementation group A. Last evaluated: 2023-03-04. Review status: criteria provided, single submitter. Criteria: ACMG Guidelines, 2015. Collection method: clinical testing. Allele origin: unknown.

Fulgent Genetics
Classification: Likely pathogenic for Fanconi anemia complementation group A. Last evaluated: 2022-03-12. Review status: criteria provided, single submitter. Criteria: ACMG Guidelines, 2015. Collection method: clinical testing. Allele origin: unknown.

Counsyl
Classification: Likely pathogenic for Fanconi anemia complementation group A. Last evaluated: 2018-03-21. Review status: no assertion criteria provided. Collection method: clinical testing. Allele origin: unknown. Not counted in ClinVar's aggregate classification.

Literature cited by the submitters: PubMed 16199547 (cited by Labcorp Genetics (formerly Invitae), Labcorp); PubMed 19367192 (cited by Labcorp Genetics (formerly Invitae), Labcorp).